The following is an entry in ClinVar:

NC_000017.11:g.(?_82926400)_(82941483_?)del

Gene: TBCD (tubulin folding cofactor D). Cytogenetic location: 17q25.3.
Variant type: Deletion.
Identifiers: ClinVar variation 832798 (VCV000832798.3).

ClinVar aggregate classification (germline): Pathogenic (1 of 4 stars; one submission).

Submission:

Labcorp Genetics (formerly Invitae), Labcorp
Classification: Pathogenic. Last evaluated: 2023-05-04. Review status: criteria provided, single submitter. Criteria: Invitae Variant Classification Sherloc (09022015). Collection method: clinical testing. Allele origin: germline.
Comment: For these reasons, this variant has been classified as Pathogenic. This variant disrupts a region of the TBCD protein in which other variant(s) (p.Pro1122Leu) have been determined to be pathogenic (PMID: 27666370, 27666374). This suggests that this is a clinically significant region of the protein, and that variants that disrupt it are likely to be disease-causing. This variant has not been reported in the literature in individuals affected with TBCD-related conditions. This variant is a gross deletion of the genomic region encompassing exon(s) 28-38 of the TBCD gene. This variant would be expected to be in-frame, preserving the integrity of the reading frame.

Literature cited by the submitters: PubMed 27666370; PubMed 27666374.